The following is an entry in ClinVar:

NM_001291303.3(FAT4):c.13208C>T (p.Pro4403Leu)

Gene: FAT4 (FAT atypical cadherin 4; plus strand). Cytogenetic location: 4q28.1.
Variant type: single nucleotide variant.
Coding change: c.13208C>T on transcript NM_001291303.3 (MANE Select); coding-DNA position 13208, C replaced by T.
Protein change: p.Pro4403Leu; replaces proline 4403 with leucine.
Molecular consequence: missense variant.
Genome position (GRCh38, 1-based): chr4:125,490,024, C>T. VCF-style: chr4-125490024-C-T. GRCh37 (hg19) VCF-style: chr4-126411179-C-T.
Other names: c.13205C>T, p.Pro4402Leu (NM_001291285.3); c.13202C>T, p.Pro4401Leu (NM_024582.6); c.13202C>T (NM_024582.5); short protein forms P4401L, P4402L, P4403L.
Identifiers: ClinVar variation 3252563 (VCV003252563.2), dbSNP rs755945513.

ClinVar aggregate classification (germline): Uncertain significance. Review status: criteria provided, multiple submitters, no conflicts (2 of 4 stars). 2 submissions from 2 submitters: Uncertain significance (2). Last evaluated 2024-04-12.

Conditions:
Hennekam lymphangiectasia-lymphedema syndrome 2 (HKLLS2). Identifiers: Orphanet 2136, MedGen C4014939, MONDO:0014454, OMIM 616006.
Van Maldergem syndrome 2 (VMLDS2). Identifiers: Orphanet 314679, MedGen C3809875, MONDO:0014242, OMIM 615546.

Allele frequency attached by ClinVar (database versions not stated): TOPMed below 0.00001; ExAC 0.00001; gnomAD exomes 0.00001.
gnomAD v4.1: 11 of 1,613,866 alleles (0.00068%); highest among the groups gnomAD compares: Middle Eastern, 0.016%; no homozygotes.

Submissions (2):

Fulgent Genetics
Classification: Uncertain significance for Van Maldergem syndrome 2; Hennekam lymphangiectasia-lymphedema syndrome 2. Last evaluated: 2024-04-12. Review status: criteria provided, single submitter. Criteria: ACMG Guidelines, 2015. Collection method: clinical testing. Allele origin: germline.

GeneDx
Classification: Uncertain significance. Last evaluated: 2023-06-06. Review status: criteria provided, single submitter. Criteria: GeneDx Variant Classification Process June 2021. Collection method: clinical testing. Allele origin: germline. Affected: yes.
Comment: Not observed at significant frequency in large population cohorts (gnomAD); In silico analysis supports that this missense variant has a deleterious effect on protein structure/function; Has not been previously published as pathogenic or benign to our knowledge